The following is an entry in ClinVar:

ClinVar aggregate classification (germline): Likely pathogenic (1 of 4 stars; one submission).

Submission:

Labcorp Genetics (formerly Invitae), Labcorp
Classification: Likely pathogenic. Last evaluated: 2024-05-14. Review status: criteria provided, single submitter. Criteria: Invitae Variant Classification Sherloc (09022015). Collection method: clinical testing. Allele origin: germline.
Comment: This sequence change replaces glycine, which is neutral and non-polar, with arginine, which is basic and polar, at codon 114 of the COL4A5 protein (p.Gly114Arg). This variant is not present in population databases (gnomAD no frequency). This variant has not been reported in the literature in individuals affected with COL4A5-related conditions. ClinVar contains an entry for this variant (Variation ID: 1925306). Advanced modeling of protein sequence and biophysical properties (such as structural, functional, and spatial information, amino acid conservation, physicochemical variation, residue mobility, and thermodynamic stability) performed at Invitae indicates that this missense variant is expected to disrupt COL4A5 protein function with a positive predictive value of 95%. This variant disrupts the triple helix domain of COL4A5. Glycine residues within the Gly-Xaa-Yaa repeats of the triple helix domain are required for the structure and stability of fibrillar collagens (PMID: 7695699, 8218237, 19344236). In COL4A5, missense variants at these glycine residues are significantly enriched in individuals with disease (PMID: 23720012, 27627812) compared to the general population (ExAC). In summary, the currently available evidence indicates that the variant is pathogenic, but additional data are needed to prove that conclusively. Therefore, this variant has been classified as Likely Pathogenic.

Literature cited by the submitters: PubMed 7695699; PubMed 8218237; PubMed 19344236; PubMed 23720012; PubMed 27627812.

NM_033380.3(COL4A5):c.340G>A (p.Gly114Arg)

Gene: COL4A5 (collagen type IV alpha 5 chain; plus strand). Cytogenetic location: Xq22.3.
Variant type: single nucleotide variant.
Coding change: c.340G>A on transcript NM_033380.3 (MANE Select); coding-DNA position 340, G replaced by A.
Protein change: p.Gly114Arg; replaces glycine 114 with arginine.
Molecular consequence: missense variant.
Genome position (GRCh38, 1-based): chrX:108,568,777, G>A. VCF-style: chrX-108568777-G-A. GRCh37 (hg19) VCF-style: chrX-107812007-G-A.
Other names: c.340G>A, p.Gly114Arg (NM_000495.5); short protein forms G114R.
Identifiers: ClinVar variation 1925306 (VCV001925306.5), dbSNP rs2524196795, ClinGen allele CA413918198.
Genomic context (GRCh38, chrX:108,568,777, plus strand): 5'-AATCTAAGACATATTATACATGTGTTATGTCGCTTTTCAAAGGGAATGCCAGGCCACGAT[G>A]GGGCCCCAGGACCTCAAGGTATTCCCGGATGCAATGGAACCAAGGTGAGATCCATCCATT-3'
Protein context (NP_203699.1, residues 104-124): PGLPGMPGHD[Gly114Arg]APGPQGIPGC